The following is an entry in ClinVar:

ClinVar aggregate classification (germline): Pathogenic (1 of 4 stars; one submission).

Submission:

GeneDx
Classification: Pathogenic. Last evaluated: 2014-03-06. Review status: criteria provided, single submitter. Criteria: GeneDx Variant Classification (06012015). Collection method: clinical testing. Allele origin: germline. Affected: yes.
Comment: The c.536_543delTCCAGCGG mutation in the KCTD7 gene has not been reported previously as a disease-causing mutation nor as a benign polymorphism, to our knowledge. The c.536_543delTCCAGCGG mutation causes a frameshift starting with codon Valine 179, changes this amino acid to a Glutamic acid residue and creates a premature Stop codon at position 22 of the new reading frame, denoted p.Val179GlufsX22. This mutation is predicted to cause loss of normal protein function either through protein truncation or nonsense-mediated mRNA decay. The c.536_543delTCCAGCGG mutation was not observed in approximately 6,500 individuals of European and African American ancestry in the NHLBI Exome Sequencing Project, indicating it is not a common benign variant in these populations. The presence of this mutation is consistent with a diagnosis of KCTD7-related disorder. The variant is found in KCTD7 panel(s).

NM_153033.5(KCTD7):c.536_543del (p.Val179fs)

Gene: KCTD7 (potassium channel tetramerization domain containing 7; plus strand). Cytogenetic location: 7q11.21.
Variant type: Deletion.
Coding change: c.536_543del on transcript NM_153033.5 (MANE Select); coding-DNA positions 536 to 543, 8 bases deleted (TCCAGCGG; older notation c.536_543delTCCAGCGG).
Protein change: p.Val179fs; shifts the reading frame from valine 179.
Molecular consequence: frameshift variant.
Genome position (GRCh38, 1-based): chr7:66,638,898-66,638,905, TCCAGCGG deleted; deleting any 8 consecutive bases within chr7:66,638,894-66,638,905 gives the same sequence; the c. name uses the placement nearest the transcript's 3' end. VCF-style (leftmost placement, unchanged base first): chr7-66638893-TGCGGTCCA-T. GRCh37 (hg19) VCF-style: chr7-66103880-TGCGGTCCA-T.
Other names: c.536_543del, p.Val179fs (NM_001167961.2); c.536_543delTCCAGCGG (NM_153033.4); short protein forms V179fs.
Identifiers: ClinVar variation 206016 (VCV000206016.1), dbSNP rs796052688, ClinGen allele CA315695.